The following is an entry in ClinVar:

NM_000051.4(ATM):c.1803-4G>A

Gene: ATM (ATM serine/threonine kinase; plus strand). Cytogenetic location: 11q22.3.
Variant type: single nucleotide variant.
Coding change: c.1803-4G>A on transcript NM_000051.4 (MANE Select); 4 bases into the intron before coding-DNA position 1803, G replaced by A.
Molecular consequence: intron variant.
Genome position (GRCh38, 1-based): chr11:108,252,813, G>A. VCF-style: chr11-108252813-G-A. GRCh37 (hg19) VCF-style: chr11-108123540-G-A.
Other names: c.1803-4G>A (NM_001351834.2).
Identifiers: ClinVar variation 231688 (VCV000231688.18), dbSNP rs876659300, ClinGen allele CA10579028.
Genomic context (GRCh38, chr11:108,252,813, plus strand): 5'-AGTTTAAAGTATTCTTTACATGGCTTTTGGTCTTCTAAGTGAAGCTTTTTGTTTTTCTTT[G>A]TAGTAATTTTCCTCATCTTGTACTGGAGAAAATTCTTGTGAGTCTCACTATGAAAAACTG-3'

ClinVar aggregate classification (germline): Likely benign. Review status: criteria provided, multiple submitters, no conflicts (2 of 4 stars). 4 submissions from 4 submitters: Likely benign (4). Last evaluated 2024-05-01.

Conditions:
Hereditary cancer-predisposing syndrome. Also called: Hereditary Cancer Syndrome; Neoplastic Syndromes, Hereditary; Tumor predisposition; Hereditary neoplastic syndrome. Identifiers: Orphanet 140162, MedGen C0027672, MeSH D009386, MONDO:0015356.
Familial cancer of breast. Also called: Hereditary breast cancer; hereditary breast carcinoma; BREAST CANCER, FAMILIAL. Identifiers: Orphanet 227535, MedGen C0346153, MONDO:0016419, OMIM 114480. Disease mechanism: loss of function.
Ataxia-telangiectasia syndrome (AT). Also called: Ataxia telangiectasia (A-T); Ataxia-telangiectasia, complementation group E; LOUIS-BAR SYNDROME; Cerebello-oculocutaneous telangiectasia; Immunodeficiency with ataxia telangiectasia; Ataxia-telangiectasia, complementation group D. Identifiers: Orphanet 100, MedGen C0004135, MONDO:0008840, OMIM 208900.

Submissions (4):

Myriad Genetics, Inc.
Classification: Likely benign for Familial cancer of breast. Last evaluated: 2024-05-01. Review status: criteria provided, single submitter. Criteria: Myriad Autosomal Dominant, Autosomal Recessive and X-Linked Classification Criteria (2023). Collection method: clinical testing. Allele origin: unknown.
Comment: This variant is considered likely benign. This variant is intronic and is not expected to impact mRNA splicing.

Labcorp Genetics (formerly Invitae), Labcorp
Classification: Likely benign for Ataxia-telangiectasia syndrome. Last evaluated: 2022-12-10. Review status: criteria provided, single submitter. Criteria: Invitae Variant Classification Sherloc (09022015). Collection method: clinical testing. Allele origin: germline.

Ambry Genetics
Classification: Likely benign for Hereditary cancer-predisposing syndrome. Last evaluated: 2021-01-04. Review status: criteria provided, single submitter. Criteria: Ambry Variant Classification Scheme 2023. Collection method: clinical testing. Allele origin: germline.

Color Diagnostics, LLC DBA Color Health
Classification: Likely benign for Hereditary cancer-predisposing syndrome. Last evaluated: 2020-09-28. Review status: criteria provided, single submitter. Criteria: ACMG Guidelines, 2015. Collection method: clinical testing. Allele origin: germline.